The following is an entry in ClinVar:

ClinVar aggregate classification (germline): Uncertain significance. Review status: criteria provided, multiple submitters, no conflicts (2 of 4 stars). 3 submissions from 3 submitters: Uncertain significance (3). Last evaluated 2025-01-14.

Conditions:
Familial cancer of breast. Also called: Hereditary breast cancer; BREAST CANCER, FAMILIAL; hereditary breast carcinoma. Identifiers: Orphanet 227535, MedGen C0346153, MONDO:0016419, OMIM 114480. Disease mechanism: loss of function.
Hereditary cancer-predisposing syndrome. Also called: Tumor predisposition; Neoplastic Syndromes, Hereditary; Hereditary Cancer Syndrome; Hereditary neoplastic syndrome. Identifiers: Orphanet 140162, MedGen C0027672, MeSH D009386, MONDO:0015356.
Ataxia-telangiectasia syndrome (AT). Also called: ATAXIA-TELANGIECTASIA, COMPLEMENTATION GROUP A; ATAXIA-TELANGIECTASIA, FRESNO VARIANT; Ataxia-telangiectasia; Ataxia-telangiectasia, complementation group D; AT, COMPLEMENTATION GROUP C; Ataxia-telangiectasia, complementation group E. Identifiers: Orphanet 100, MedGen C0004135, MONDO:0008840, OMIM 208900.

Submissions (3):

Labcorp Genetics (formerly Invitae), Labcorp
Classification: Uncertain significance for Ataxia-telangiectasia syndrome. Last evaluated: 2025-01-14. Review status: criteria provided, single submitter. Criteria: Invitae Variant Classification Sherloc (09022015). Collection method: clinical testing. Allele origin: germline.
Comment: This sequence change replaces cysteine, which is neutral and slightly polar, with glycine, which is neutral and non-polar, at codon 2624 of the ATM protein (p.Cys2624Gly). This variant is not present in population databases (gnomAD no frequency). This missense change has been observed in individual(s) with clinical features of ATM-related conditions (PMID: 32522261). ClinVar contains an entry for this variant (Variation ID: 827299). Invitae Evidence Modeling of protein sequence and biophysical properties (such as structural, functional, and spatial information, amino acid conservation, physicochemical variation, residue mobility, and thermodynamic stability) indicates that this missense variant is expected to disrupt ATM protein function with a positive predictive value of 95%. In summary, the available evidence is currently insufficient to determine the role of this variant in disease. Therefore, it has been classified as a Variant of Uncertain Significance.

Baylor Genetics
Classification: Uncertain significance for Familial cancer of breast. Last evaluated: 2023-10-05. Review status: criteria provided, single submitter. Criteria: ACMG Guidelines, 2015. Collection method: clinical testing. Allele origin: unknown.

Ambry Genetics
Classification: Uncertain significance for Hereditary cancer-predisposing syndrome. Last evaluated: 2019-01-11. Review status: criteria provided, single submitter. Criteria: Ambry Variant Classification Scheme 2023. Collection method: clinical testing. Allele origin: germline.
Comment: The p.C2624G variant (also known as c.7870T>G), located in coding exon 52 of the ATM gene, results from a T to G substitution at nucleotide position 7870. The cysteine at codon 2624 is replaced by glycine, an amino acid with highly dissimilar properties. This amino acid position is highly conserved in available vertebrate species. In addition, this alteration is predicted to be deleterious by in silico analysis. Since supporting evidence is limited at this time, the clinical significance of this alteration remains unclear.

Literature cited by the submitters: PubMed 32522261 (cited by Labcorp Genetics (formerly Invitae), Labcorp).

NM_000051.4(ATM):c.7870T>G (p.Cys2624Gly)

Genes: ATM (ATM serine/threonine kinase; plus strand), C11orf65 (chromosome 11 open reading frame 65; minus strand). Cytogenetic location: 11q22.3.
Variant type: single nucleotide variant.
Coding change: c.7870T>G on transcript NM_000051.4 (MANE Select); coding-DNA position 7870, T replaced by G.
Protein change: p.Cys2624Gly; replaces cysteine 2624 with glycine.
Molecular consequence: missense variant. On other transcripts: intron variant (2).
Genome position (GRCh38, 1-based): chr11:108,332,843, T>G. VCF-style: chr11-108332843-T-G. GRCh37 (hg19) VCF-style: chr11-108203570-T-G.
Other names: c.7870T>G, p.Cys2624Gly (NM_001351834.2); c.641-23772A>C (NM_001330368.2); c.*38+2377A>C (NM_001351110.2); short protein forms C2624G.
Identifiers: ClinVar variation 827299 (VCV000827299.9), dbSNP rs1591178767, ClinGen allele CA382561410.